The following is an entry in ClinVar:

NM_006087.4(TUBB4A):c.-472A>G

Gene: TUBB4A (tubulin beta 4A class IVa; minus strand). Cytogenetic location: 19p13.3.
Variant type: single nucleotide variant.
Coding change: c.-472A>G on transcript NM_006087.4 (MANE Select); 472 bases upstream of the start codon, A replaced by G.
Molecular consequence: genic upstream transcript variant. On other transcripts: missense variant (2), 5 prime UTR variant (1).
Genome position (GRCh38, 1-based): chr19:6,502,684, T>C on the plus strand (A>G on the coding strand, the complement: TUBB4A is on the minus strand). VCF-style: chr19-6502684-T-C. GRCh37 (hg19) VCF-style: chr19-6502695-T-C.
Other names: c.28A>G, p.Thr10Ala (NM_001289123.2, NM_001289127.2); c.-56A>G (NM_001289129.2); short protein forms T10A.
Identifiers: ClinVar variation 3384806 (VCV003384806.1).

ClinVar aggregate classification (germline): Uncertain significance (1 of 4 stars; one submission).

Submission:

Women's Health and Genetics/Laboratory Corporation of America, LabCorp
Classification: Uncertain significance. Last evaluated: 2024-10-09. Review status: criteria provided, single submitter. Criteria: LabCorp Variant Classification Summary - May 2015. Collection method: clinical testing. Allele origin: germline.
Comment: Variant summary: TUBB4A c.-472A>G alters a non-conserved nucleotide located in the untranscribed region upstream of the TUBB4A gene region. The variant was absent in 157066 control chromosomes. The available data on variant occurrences in the general population are insufficient to allow any conclusion about variant significance. To our knowledge, no occurrence of c.-472A>G in individuals affected with Leukodystrophy, Hypomyelinating, 6 and no experimental evidence demonstrating its impact on protein function have been reported. No submitters have cited clinical-significance assessments for this variant to ClinVar. Based on the evidence outlined above, the variant was classified as uncertain significance.